The following is an entry in ClinVar:

ClinVar aggregate classification (germline): Likely benign (0 of 4 stars; one submission).

Conditions:
HNF1B-related disorder. Also called: HNF1B-related disorders; HNF1B-related condition.

Allele frequency attached by ClinVar (database versions not stated): ExAC 0.00006; gnomAD 0.00013; gnomAD exomes 0.00028.

Submission:

PreventionGenetics, part of Exact Sciences
Classification: Likely benign for HNF1B-related condition. Last evaluated: 2019-08-12. Review status: no assertion criteria provided. Collection method: clinical testing. Allele origin: germline.
Comment: This variant is classified as likely benign based on ACMG/AMP sequence variant interpretation guidelines (Richards et al. 2015 PMID: 25741868, with internal and published modifications).

NM_000458.4(HNF1B):c.1654-9del

Gene: HNF1B (HNF1 homeobox B; minus strand). Cytogenetic location: 17q12.
Variant type: Deletion.
Coding change: c.1654-9del on transcript NM_000458.4 (MANE Select); 9 bases into the intron before coding-DNA position 1654, one base deleted (T; older notation c.1654-9delT).
Molecular consequence: intron variant.
Genome position (GRCh38, 1-based): chr17:37,687,401, A deleted on the plus strand (T on the coding strand, the reverse complement: HNF1B is on the minus strand). VCF-style (leftmost placement, unchanged base first): chr17-37687400-GA-G. GRCh37 (hg19) VCF-style: chr17-36047403-GA-G.
Other names: c.1262-9del (NM_001304286.2); c.1576-9del (NM_001165923.4); c.1535-9del (NM_001411100.1).
Identifiers: ClinVar variation 3035602 (VCV003035602.2), dbSNP rs774447363, ClinGen allele CA8518765.